The following is an entry in ClinVar:

NM_001271938.2(MEGF8):c.3108A>G (p.Leu1036=)

Gene: MEGF8 (multiple EGF like domains 8; plus strand). Cytogenetic location: 19q13.2.
Variant type: single nucleotide variant.
Coding change: c.3108A>G on transcript NM_001271938.2 (MANE Select); coding-DNA position 3108, A replaced by G.
Protein change: p.Leu1036=; no amino-acid change (leucine 1036 retained).
Molecular consequence: synonymous variant.
Genome position (GRCh38, 1-based): chr19:42,352,214, A>G. VCF-style: chr19-42352214-A-G. GRCh37 (hg19) VCF-style: chr19-42856366-A-G.
Other names: c.2907A>G, p.Leu969= (NM_001410.3).
Identifiers: ClinVar variation 2650032 (VCV002650032.25), dbSNP rs763739986, ClinGen allele CA9474911.

ClinVar aggregate classification (germline): Likely benign. Review status: criteria provided, multiple submitters, no conflicts (2 of 4 stars). 2 submissions from 2 submitters: Likely benign (2). Last evaluated 2024-04-15.

Allele frequency attached by ClinVar (database versions not stated): gnomAD 0.00001; gnomAD exomes 0.00001; TOPMed 0.00001; ExAC 0.00006.
gnomAD v4.1: 11 of 1,536,374 alleles (0.00072%); highest among the groups gnomAD compares: Non-Finnish European, 0.00097%; no homozygotes.

Submissions (2):

Blueprint Genetics
Classification: Likely benign. Last evaluated: 2024-04-15. Review status: criteria provided, single submitter. Criteria: ACMG Guidelines, 2015. Collection method: clinical testing. Allele origin: germline.

CeGaT Center for Human Genetics Tuebingen
Classification: Likely benign. Last evaluated: 2023-07-01. Review status: criteria provided, single submitter. Criteria: CeGaT Center For Human Genetics Tuebingen Variant Classification Criteria Version 2. Collection method: clinical testing. Allele origin: germline. Affected: yes. Observed: 1 variant allele.
Comment: MEGF8: BP4, BP7